The following is an entry in ClinVar:

ClinVar aggregate classification (germline): Uncertain significance. Review status: criteria provided, multiple submitters, no conflicts (2 of 4 stars). 2 submissions from 2 submitters: Uncertain significance (2). Last evaluated 2026-04-24.

Conditions:
NEK8-related disorder. Also called: NEK8-related condition.
Nephronophthisis 9 (NPHP9). Identifiers: Orphanet 655, MedGen C3151188, MONDO:0013444, OMIM 613824.

gnomAD v4.1: 3 of 1,614,022 alleles (0.00019%); highest among the groups gnomAD compares: Non-Finnish European, 0.00025%; no homozygotes.

Submissions (2):

PreventionGenetics, part of Exact Sciences
Classification: Uncertain significance for NEK8-related condition. Last evaluated: 2026-04-24. Review status: criteria provided, single submitter. Criteria: ACMG Guidelines, 2015. Collection method: clinical testing. Allele origin: germline.
Comment: The NEK8 c.2048G>C variant is predicted to result in the amino acid substitution p.Arg683Pro. To our knowledge, this variant has not been reported in the literature or in a large population database (gnomAD), indicating this variant is rare. At this time, the clinical significance of this variant is uncertain due to the absence of conclusive functional and genetic evidence.

Labcorp Genetics (formerly Invitae), Labcorp
Classification: Uncertain significance for Nephronophthisis 9. Last evaluated: 2025-02-23. Review status: criteria provided, single submitter. Criteria: Invitae Variant Classification Sherloc (09022015). Collection method: clinical testing. Allele origin: germline.
Comment: This sequence change replaces arginine, which is basic and polar, with proline, which is neutral and non-polar, at codon 683 of the NEK8 protein (p.Arg683Pro). This variant is not present in population databases (gnomAD no frequency). This variant has not been reported in the literature in individuals affected with NEK8-related conditions. An algorithm developed to predict the effect of missense changes on protein structure and function (PolyPhen-2) suggests that this variant is likely to be disruptive. In summary, the available evidence is currently insufficient to determine the role of this variant in disease. Therefore, it has been classified as a Variant of Uncertain Significance.

NM_178170.3(NEK8):c.2048G>C (p.Arg683Pro)

Gene: NEK8 (NIMA related kinase 8; plus strand). Cytogenetic location: 17q11.2.
Variant type: single nucleotide variant.
Coding change: c.2048G>C on transcript NM_178170.3 (MANE Select); coding-DNA position 2048, G replaced by C.
Protein change: p.Arg683Pro; replaces arginine 683 with proline.
Molecular consequence: missense variant.
Genome position (GRCh38, 1-based): chr17:28,741,569, G>C. VCF-style: chr17-28741569-G-C. GRCh37 (hg19) VCF-style: chr17-27068587-G-C.
Other names: c.2048G>C (NM_178170.2); short protein forms R683P.
Identifiers: ClinVar variation 4754007 (VCV004754007.2).